The following is an entry in ClinVar:

NM_005460.4(SNCAIP):c.*70C>G

Genes: SNCAIP (synuclein alpha interacting protein; plus strand), SNCAIP-AS3 (SNCAIP antisense RNA 3; minus strand). Cytogenetic location: 5q23.2.
Variant type: single nucleotide variant.
Coding change: c.*70C>G on transcript NM_005460.4 (MANE Select); 70 bases downstream of the stop codon, C replaced by G.
Molecular consequence: 3 prime UTR variant. On other transcripts: synonymous variant (2), non-coding transcript variant (2).
Genome position (GRCh38, 1-based): chr5:122,463,566, C>G. VCF-style: chr5-122463566-C-G. GRCh37 (hg19) VCF-style: chr5-121799261-C-G.
Other names: c.1803C>G, p.Leu601= (NM_001242935.3); c.3042C>G, p.Leu1014= (NM_001308100.2); c.*70C>G (NM_001308105.1, NM_001308106.1, NM_001308107.2 and 2 more transcripts).
Identifiers: ClinVar variation 350506 (VCV000350506.6), dbSNP rs149180835, ClinGen allele CA3385170.

ClinVar aggregate classification (germline): Benign/Likely benign. Review status: criteria provided, multiple submitters, no conflicts (2 of 4 stars). 2 submissions from 2 submitters: Benign (1); Likely benign (1). Last evaluated 2024-10-07.

Conditions:
Parkinson Disease, Dominant/Recessive.

Allele frequency attached by ClinVar (database versions not stated): gnomAD exomes 0.00056 and 0.00137; ExAC 0.00172; 1000 Genomes Project 0.00479; 1000 Genomes Project 30x 0.00515; gnomAD 0.00538 and 0.00566; TOPMed 0.00624; ESP Exome Variant Server 0.00635.
gnomAD v4.1: 1,669 of 1,582,570 alleles (0.11%); highest among the groups gnomAD compares: African/African-American, 1.9%; 19 homozygotes.

Submissions (2):

Blueprint Genetics
Classification: Likely benign. Last evaluated: 2024-10-07. Review status: criteria provided, single submitter. Criteria: ACMG Guidelines, 2015. Collection method: clinical testing. Allele origin: germline.

Illumina Laboratory Services, Illumina
Classification: Benign for Parkinson Disease, Dominant/Recessive. Last evaluated: 2018-01-12. Review status: criteria provided, single submitter. Criteria: ICSL Variant Classification Criteria 13 December 2019. Collection method: clinical testing. Allele origin: germline.
Comment: This variant was observed in the ICSL laboratory as part of a predisposition screen in an ostensibly healthy population. It had not been previously curated by ICSL or reported in the Human Gene Mutation Database (HGMD: prior to June 1st, 2018), and was therefore a candidate for classification through an automated scoring system. Utilizing variant allele frequency, disease prevalence and penetrance estimates, and inheritance mode, an automated score was calculated to assess if this variant is too frequent to cause the disease. Based on the score and internal cut-off values, a variant classified as benign is not then subjected to further curation. The score for this variant resulted in a classification of benign for this disease.